The following is an entry in ClinVar:

NM_001330078.2(NRXN1):c.2971G>A (p.Val991Met)

Gene: NRXN1 (neurexin 1; minus strand). Cytogenetic location: 2p16.3.
Variant type: single nucleotide variant.
Coding change: c.2971G>A on transcript NM_001330078.2 (MANE Select); coding-DNA position 2971, G replaced by A.
Protein change: p.Val991Met; replaces valine 991 with methionine.
Molecular consequence: missense variant.
Genome position (GRCh38, 1-based): chr2:50,496,004, C>T on the plus strand (G>A on the coding strand, the complement: NRXN1 is on the minus strand). VCF-style: chr2-50496004-C-T. GRCh37 (hg19) VCF-style: chr2-50723142-C-T.
Other names: c.3091G>A, p.Val1031Met (NM_001135659.3); c.2947G>A, p.Val983Met (NM_001330077.2, NM_001330082.2); c.2905G>A, p.Val969Met (NM_001330083.2, NM_001330084.2); c.2944G>A, p.Val982Met (NM_001330085.2); c.2971G>A, p.Val991Met (NM_001330086.2, NM_004801.6); c.2860G>A, p.Val954Met (NM_001330087.2, NM_001330096.2); c.2890G>A, p.Val964Met (NM_001330088.2); c.2968G>A, p.Val990Met (NM_001330093.2); and 2 more; short protein forms V1031M, V954M, V964M, V969M, V974M, V982M, V983M, V987M.
Identifiers: ClinVar variation 3343953 (VCV003343953.3).

ClinVar aggregate classification (germline): Uncertain significance. Review status: criteria provided, multiple submitters, no conflicts (2 of 4 stars). 2 submissions from 2 submitters: Uncertain significance (2). Last evaluated 2025-05-25.

Conditions:
Pitt-Hopkins-like syndrome 2 (PTHSL2). Identifiers: Orphanet 221150, Orphanet 600663, MedGen C3280479, MONDO:0013690, OMIM 614325.

Submissions (2):

Labcorp Genetics (formerly Invitae), Labcorp
Classification: Uncertain significance for Pitt-Hopkins-like syndrome 2. Last evaluated: 2025-05-25. Review status: criteria provided, single submitter. Criteria: Invitae Variant Classification Sherloc (09022015). Collection method: clinical testing. Allele origin: germline.
Comment: This sequence change replaces valine, which is neutral and non-polar, with methionine, which is neutral and non-polar, at codon 1031 of the NRXN1 protein (p.Val1031Met). This variant is not present in population databases (gnomAD no frequency). This missense change has been observed in individual(s) with autism and/or neurodevelopmental disorder (PMID: 31785789, 33057194). ClinVar contains an entry for this variant (Variation ID: 3343953). Invitae Evidence Modeling of protein sequence and biophysical properties (such as structural, functional, and spatial information, amino acid conservation, physicochemical variation, residue mobility, and thermodynamic stability) indicates that this missense variant is not expected to disrupt NRXN1 protein function with a negative predictive value of 80%. In summary, the available evidence is currently insufficient to determine the role of this variant in disease. Therefore, it has been classified as a Variant of Uncertain Significance.

GeneDx
Classification: Uncertain significance. Last evaluated: 2023-08-16. Review status: criteria provided, single submitter. Criteria: GeneDx Variant Classification Process June 2021. Collection method: clinical testing. Allele origin: germline. Affected: yes.
Comment: Not observed at significant frequency in large population cohorts (gnomAD); In silico analysis supports that this missense variant does not alter protein structure/function; Reported as a de novo variant in one individual from a large cohort of children with neurodevelopmental disorders (Turner et al., 2019); This variant is associated with the following publications: (PMID: 31785789)

Literature cited by the submitters: PubMed 31785789 (cited by Labcorp Genetics (formerly Invitae), Labcorp); PubMed 33057194 (cited by Labcorp Genetics (formerly Invitae), Labcorp).